The following is an entry in ClinVar:

NM_152594.3(SPRED1):c.1194C>A (p.Asp398Glu)

Gene: SPRED1 (sprouty related EVH1 domain containing 1; plus strand). Cytogenetic location: 15q14.
Variant type: single nucleotide variant.
Coding change: c.1194C>A on transcript NM_152594.3 (MANE Select); coding-DNA position 1194, C replaced by A.
Protein change: p.Asp398Glu; replaces aspartic acid 398 with glutamic acid.
Molecular consequence: missense variant.
Genome position (GRCh38, 1-based): chr15:38,351,523, C>A. VCF-style: chr15-38351523-C-A. GRCh37 (hg19) VCF-style: chr15-38643724-C-A.
Other names: short protein forms D398E.
Identifiers: ClinVar variation 4827629 (VCV004827629.1).

ClinVar aggregate classification (germline): Uncertain significance (1 of 4 stars; one submission).

Conditions:
Cardiovascular phenotype. Identifiers: MedGen CN230736.

gnomAD v4.1: 1 of 1,614,126 alleles (0.000062%); no homozygotes.

Submission:

Ambry Genetics
Classification: Uncertain significance for Cardiovascular phenotype. Last evaluated: 2026-02-23. Review status: criteria provided, single submitter. Criteria: Ambry Variant Classification Scheme 2023. Collection method: clinical testing. Allele origin: germline.
Comment: The p.D398E variant (also known as c.1194C>A), located in coding exon 7 of the SPRED1 gene, results from a C to A substitution at nucleotide position 1194. The aspartic acid at codon 398 is replaced by glutamic acid, an amino acid with highly similar properties. This amino acid position is conserved. In addition, this alteration is predicted to be tolerated by in silico analysis. Based on the available evidence, the clinical significance of this variant remains unclear.